The following is an entry in ClinVar:

ClinVar aggregate classification (germline): Uncertain significance (1 of 4 stars; one submission).

Conditions:
Vici syndrome (VICIS). Identifiers: Orphanet 1493, MedGen C1855772, MONDO:0009452, OMIM 242840.

Submission:

Labcorp Genetics (formerly Invitae), Labcorp
Classification: Uncertain significance for Vici syndrome. Last evaluated: 2022-02-08. Review status: criteria provided, single submitter. Criteria: Invitae Variant Classification Sherloc (09022015). Collection method: clinical testing. Allele origin: germline.
Comment: This sequence change replaces alanine, which is neutral and non-polar, with valine, which is neutral and non-polar, at codon 1795 of the EPG5 protein (p.Ala1795Val). This variant is not present in population databases (gnomAD no frequency). This variant has not been reported in the literature in individuals affected with EPG5-related conditions. Algorithms developed to predict the effect of missense changes on protein structure and function are either unavailable or do not agree on the potential impact of this missense change (SIFT: "Deleterious"; PolyPhen-2: "Probably Damaging"; Align-GVGD: "Class C0"). Algorithms developed to predict the effect of sequence changes on RNA splicing suggest that this variant may create or strengthen a splice site. In summary, the available evidence is currently insufficient to determine the role of this variant in disease. Therefore, it has been classified as a Variant of Uncertain Significance.

NM_020964.3(EPG5):c.5384C>T (p.Ala1795Val)

Gene: EPG5 (ectopic P-granules 5 autophagy tethering factor; minus strand). Cytogenetic location: 18q12.3.
Variant type: single nucleotide variant.
Coding change: c.5384C>T on transcript NM_020964.3 (MANE Select); coding-DNA position 5384, C replaced by T.
Protein change: p.Ala1795Val; replaces alanine 1795 with valine.
Molecular consequence: missense variant.
Genome position (GRCh38, 1-based): chr18:45,882,408, G>A on the plus strand (C>T on the coding strand, the complement: EPG5 is on the minus strand). VCF-style: chr18-45882408-G-A. GRCh37 (hg19) VCF-style: chr18-43462373-G-A.
Other names: c.5384C>T, p.Ala1795Val (NM_001410858.1, NM_001410859.1); short protein forms A1795V.
Identifiers: ClinVar variation 1902604 (VCV001902604.5), dbSNP rs2511592707, ClinGen allele CA402344860.